The following is an entry in ClinVar:

ClinVar aggregate classification (germline): Uncertain significance (1 of 4 stars; one submission).

gnomAD v4.1: 1 of 1,614,100 alleles (0.000062%); highest among the groups gnomAD compares: South Asian, 0.0011%; no homozygotes.

Submission:

Women's Health and Genetics/Laboratory Corporation of America, LabCorp
Classification: Uncertain significance. Last evaluated: 2026-04-15. Review status: criteria provided, single submitter. Criteria: LabCorp Variant Classification Summary - May 2015. Collection method: clinical testing. Allele origin: germline.
Comment: Variant summary: ACADVL c.337T>C (p.Phe113Leu) results in a non-conservative amino acid change in the encoded protein sequence. Algorithms developed to predict the effect of missense changes on protein structure and function all suggest that this variant is likely to be disruptive. The variant was absent in 251318 control chromosomes. The available data on variant occurrences in the general population are insufficient to allow any conclusion about variant significance. To our knowledge, c.337T>C has not been observed in individuals affected with ACADVL-related conditions, although a variant resulting in the same amino acid change (c.339C>A, p.Phe113Leu) has been reported in individuals with Very Long Chain Acyl-CoA Dehydrogenase Deficiency (PMIDs: 21932095, 30194637, 38651394), and no experimental evidence demonstrating the impact of the variant on protein function has been reported. No submitters have cited clinical-significance assessments for this variant to ClinVar. Based on the evidence outlined above, the variant was classified as uncertain significance.

NM_000018.4(ACADVL):c.337T>C (p.Phe113Leu)

Gene: ACADVL (acyl-CoA dehydrogenase very long chain; plus strand). Cytogenetic location: 17p13.1.
Variant type: single nucleotide variant.
Coding change: c.337T>C on transcript NM_000018.4 (MANE Select); coding-DNA position 337, T replaced by C.
Protein change: p.Phe113Leu; replaces phenylalanine 113 with leucine.
Molecular consequence: missense variant.
Genome position (GRCh38, 1-based): chr17:7,220,825, T>C. VCF-style: chr17-7220825-T-C. GRCh37 (hg19) VCF-style: chr17-7124144-T-C.
Other names: c.271T>C, p.Phe91Leu (NM_001033859.3); c.406T>C, p.Phe136Leu (NM_001270447.2); c.109T>C, p.Phe37Leu (NM_001270448.2); short protein forms F113L, F136L, F37L, F91L.
Identifiers: ClinVar variation 4848540 (VCV004848540.1).